The following is an entry in ClinVar:

NM_003664.5(AP3B1):c.1838-78C>G

Gene: AP3B1 (adaptor related protein complex 3 subunit beta 1; minus strand). Cytogenetic location: 5q14.1.
Variant type: single nucleotide variant.
Coding change: c.1838-78C>G on transcript NM_003664.5 (MANE Select); 78 bases into the intron before coding-DNA position 1838, C replaced by G.
Molecular consequence: intron variant.
Genome position (GRCh38, 1-based): chr5:78,128,238, G>C on the plus strand (C>G on the coding strand, the complement: AP3B1 is on the minus strand). VCF-style: chr5-78128238-G-C. GRCh37 (hg19) VCF-style: chr5-77424062-G-C.
Other names: c.1691-78C>G (NM_001271769.2).
Identifiers: ClinVar variation 1221548 (VCV001221548.6), dbSNP rs16875172, ClinGen allele CA121089423.

ClinVar aggregate classification (germline): Benign. Review status: criteria provided, multiple submitters, no conflicts (2 of 4 stars). 3 submissions from 3 submitters: Benign (3). Last evaluated 2023-11-12.

Allele frequency attached by ClinVar (database versions not stated): 1000 Genomes Project 0.10763; TOPMed 0.09386; 1000 Genomes Project 30x 0.11337; gnomAD 0.08166.
gnomAD v4.1: 61,880 of 1,308,492 alleles (4.7%); highest among the groups gnomAD compares: African/African-American, 17%; 2,865 homozygotes.

Submissions (3):

Unidad de Genómica Garrahan, Hospital de Pediatría Garrahan
Classification: Benign. Last evaluated: 2023-11-12. Review status: criteria provided, single submitter. Criteria: ACMG Guidelines, 2015. Collection method: clinical testing. Allele origin: germline. Affected: no. Observed: 23 variant alleles.
Comment: This variant is classified as Benign based on local population frequency. This variant was detected in 24% of patients studied by a panel of primary immunodeficiencies. Number of patients: 23. Only high quality variants are reported.

GeneDx
Classification: Benign. Last evaluated: 2018-11-10. Review status: criteria provided, single submitter. Criteria: GeneDx Variant Classification Process June 2021. Collection method: clinical testing. Allele origin: germline. Affected: yes.

Breakthrough Genomics
Classification: Benign. Review status: criteria provided, single submitter. Criteria: ACMG Guidelines, 2015. Collection method: not provided. Allele origin: germline. Inheritance: Autosomal recessive inheritance. Affected: yes.